The following is an entry in ClinVar:

NM_000489.6(ATRX):c.1825C>G (p.Pro609Ala)

Gene: ATRX (ATRX chromatin remodeler; minus strand). Cytogenetic location: Xq21.1.
Variant type: single nucleotide variant.
Coding change: c.1825C>G on transcript NM_000489.6 (MANE Select); coding-DNA position 1825, C replaced by G.
Protein change: p.Pro609Ala; replaces proline 609 with alanine.
Molecular consequence: missense variant.
Genome position (GRCh38, 1-based): chrX:77,683,431, G>C on the plus strand (C>G on the coding strand, the complement: ATRX is on the minus strand). VCF-style: chrX-77683431-G-C. GRCh37 (hg19) VCF-style: chrX-76938923-G-C.
Other names: c.1825C>G (NM_000489.3); c.1711C>G, p.Pro571Ala (NM_138270.5); short protein forms P609A, P571A.
Identifiers: ClinVar variation 133654 (VCV000133654.20), dbSNP rs186742436, ClinGen allele CA157232.

ClinVar aggregate classification (germline): Benign/Likely benign. Review status: criteria provided, multiple submitters, no conflicts (2 of 4 stars). 6 submissions from 6 submitters: Benign (3); Likely benign (1). 2 of the submissions do not count toward it. Last evaluated 2026-01-14.

Conditions:
ATRX-related disorder. Also called: ATRX-related condition.
Alpha thalassemia-X-linked intellectual disability syndrome (ATRX). Also called: X-linked alpha-thalassemia-mental retardation syndrome; ALPHA-THALASSEMIA/MENTAL RETARDATION SYNDROME, X-LINKED; ATR, NONDELETION TYPE; ATR-X syndrome; Alpha thalassemia mental retardation syndrome, nondeletion type, X-linked; XLMR hypotonic face syndrome. Identifiers: Orphanet 847, MedGen C1845055, MONDO:0010519, OMIM 301040.

Allele frequency attached by ClinVar (database versions not stated): gnomAD 0.00024 and 0.00035; TOPMed 0.00043; ExAC 0.00109; gnomAD exomes 0.00111; 1000 Genomes Project 30x 0.00146; 1000 Genomes Project 0.00159.
gnomAD v4.1: 243 of 1,207,898 alleles (0.02%); highest among the groups gnomAD compares: East Asian, 0.67%; 3 homozygotes.

Submissions (6):

Labcorp Genetics (formerly Invitae), Labcorp
Classification: Benign for Alpha thalassemia-X-linked intellectual disability syndrome. Last evaluated: 2026-01-14. Review status: criteria provided, single submitter. Criteria: Invitae Variant Classification Sherloc (09022015). Collection method: clinical testing. Allele origin: germline.

PreventionGenetics, part of Exact Sciences
Classification: Likely benign for ATRX-related condition. Last evaluated: 2025-12-31. Review status: criteria provided, single submitter. Criteria: ACMG Guidelines, 2015. Collection method: clinical testing. Allele origin: germline.
Comment: This variant is classified as likely benign based on ACMG/AMP sequence variant interpretation guidelines (Richards et al. 2015 PMID: 25741868, with internal and published modifications).

Women's Health and Genetics/Laboratory Corporation of America, LabCorp
Classification: Benign. Last evaluated: 2022-05-11. Review status: criteria provided, single submitter. Criteria: LabCorp Variant Classification Summary - May 2015. Collection method: clinical testing. Allele origin: germline.
Comment: Variant summary: ATRX c.1825C>G (p.Pro609Ala) results in a non-conservative amino acid change in the encoded protein sequence. Four of five in-silico tools predict a benign effect of the variant on protein function. The variant allele was found at a frequency of 0.0011 in 183133 control chromosomes, predominantly at a frequency of 0.014 within the East Asian subpopulation in the gnomAD database, including 4 homozygotes. The observed variant frequency within East Asian control individuals in the gnomAD database is approximately 13 fold of the estimated maximal expected allele frequency for a pathogenic variant in ATRX causing ATR-X Syndrome phenotype (0.0011), strongly suggesting that the variant is a benign polymorphism found primarily in populations of East Asian origin. To our knowledge, no experimental evidence demonstrating its impact on protein function have been reported. Three ClinVar submitters (evaluation after 2014) cite the variant as benign (n=2) and likely benign (n=1). Based on the evidence outlined above, the variant was classified as benign.

GeneDx
Classification: Benign. Last evaluated: 2020-10-27. Review status: criteria provided, single submitter. Criteria: GeneDx Variant Classification Process June 2021. Collection method: clinical testing. Allele origin: germline. Affected: yes.
Comment: This variant is associated with the following publications: (PMID: 30359267)

Natera, Inc.
Classification: Likely benign for X-linked alpha-thalassemia-mental retardation syndrome. Last evaluated: 2020-01-07. Review status: no assertion criteria provided. Collection method: clinical testing. Allele origin: germline. Not counted in ClinVar's aggregate classification.

ITMI
No classification provided. Condition: AllHighlyPenetrant. Last evaluated: 2013-09-19. Review status: no classification provided. Collection method: reference population. Allele origin: germline. Not counted in ClinVar's aggregate classification.
Comment: Please see associated publication for description of ethnicities

Literature cited by the submitters: PubMed 24728327 (cited by ITMI).